The following is an entry in ClinVar:

NM_001375834.1(WIPF1):c.1289C>A (p.Pro430Gln)

Gene: WIPF1 (WAS/WASL interacting protein family member 1; minus strand). Cytogenetic location: 2q31.1.
Variant type: single nucleotide variant.
Coding change: c.1289C>A on transcript NM_001375834.1 (MANE Select); coding-DNA position 1289, C replaced by A.
Protein change: p.Pro430Gln; replaces proline 430 with glutamine.
Molecular consequence: missense variant.
Genome position (GRCh38, 1-based): chr2:174,567,914, G>T on the plus strand (C>A on the coding strand, the complement: WIPF1 is on the minus strand). VCF-style: chr2-174567914-G-T. GRCh37 (hg19) VCF-style: chr2-175432642-G-T.
Other names: c.1289C>A, p.Pro430Gln (NM_001077269.1, NM_001375832.1, NM_001375833.1 and 2 more transcripts); c.911C>A, p.Pro304Gln (NM_001375839.1); short protein forms P430Q, P304Q.
Identifiers: ClinVar variation 1401726 (VCV001401726.4), dbSNP rs145467227, ClinGen allele CA1973941.
Genomic context (GRCh38, chr2:174,567,914, plus strand): 5'-ACCTCACCTTCACATGGAGAGTCTTGGAAGCCATTTCTAATAGATGTTGATGGTGGAGGT[G>T]GGGGAGGTGCCCCAGCACTGGGCCTATCAGGAGGAAGGGGAGGCCTGGGTCCACTCCTGG-3'
Protein context (NP_001362763.1, residues 420-440): PDRPSAGAPP[Pro430Gln]PPPSTSIRNG

ClinVar aggregate classification (germline): Uncertain significance. Review status: criteria provided, multiple submitters, no conflicts (2 of 4 stars). 2 submissions from 2 submitters: Uncertain significance (2). Last evaluated 2024-09-30.

Conditions:
Inborn genetic diseases. Identifiers: MedGen C0950123, MeSH D030342.
Wiskott-Aldrich syndrome 2 (WAS2). Also called: WIPF1 DEFICIENCY. Identifiers: Orphanet 906, MedGen C3281001, MONDO:0013779, OMIM 614493.

Allele frequency attached by ClinVar (database versions not stated): ExAC 0.00002; gnomAD exomes 0.00002; 1000 Genomes Project 30x 0.00016; 1000 Genomes Project 0.00020; ESP Exome Variant Server 0.00023.
gnomAD v4.1: 28 of 1,612,698 alleles (0.0017%); highest among the groups gnomAD compares: African/African-American, 0.004%; no homozygotes.

Submissions (2):

Ambry Genetics
Classification: Uncertain significance for Inborn genetic diseases. Last evaluated: 2024-09-30. Review status: criteria provided, single submitter. Criteria: Ambry Variant Classification Scheme 2023. Collection method: clinical testing. Allele origin: germline.

Labcorp Genetics (formerly Invitae), Labcorp
Classification: Uncertain significance for Wiskott-Aldrich syndrome 2. Last evaluated: 2022-10-13. Review status: criteria provided, single submitter. Criteria: Invitae Variant Classification Sherloc (09022015). Collection method: clinical testing. Allele origin: germline.
Comment: This sequence change replaces proline, which is neutral and non-polar, with glutamine, which is neutral and polar, at codon 430 of the WIPF1 protein (p.Pro430Gln). This variant is present in population databases (rs145467227, gnomAD 0.007%). This variant has not been reported in the literature in individuals affected with WIPF1-related conditions. ClinVar contains an entry for this variant (Variation ID: 1401726). Algorithms developed to predict the effect of missense changes on protein structure and function are either unavailable or do not agree on the potential impact of this missense change (SIFT: "Not Available"; PolyPhen-2: "Probably Damaging"; Align-GVGD: "Not Available"). In summary, the available evidence is currently insufficient to determine the role of this variant in disease. Therefore, it has been classified as a Variant of Uncertain Significance.